The following is an entry in ClinVar:

NM_006576.4(AVIL):c.332G>C (p.Gly111Ala)

Gene: AVIL (advillin; minus strand). Cytogenetic location: 12q14.1.
Variant type: single nucleotide variant.
Coding change: c.332G>C on transcript NM_006576.4 (MANE Select); coding-DNA position 332, G replaced by C.
Protein change: p.Gly111Ala; replaces glycine 111 with alanine.
Molecular consequence: missense variant.
Genome position (GRCh38, 1-based): chr12:57,813,233, C>G on the plus strand (G>C on the coding strand, the complement: AVIL is on the minus strand). VCF-style: chr12-57813233-C-G. GRCh37 (hg19) VCF-style: chr12-58207016-C-G.
Other names: short protein forms G111A.
Identifiers: ClinVar variation 5003121 (VCV005003121.1).

ClinVar aggregate classification (germline): Uncertain significance (1 of 4 stars; one submission).

Conditions:
Nephrotic syndrome, type 21. Identifiers: MedGen C5231498, MONDO:0032826, OMIM 618594.

Submission:

OLLIN Analises Genomicas, OLLIN
Classification: Uncertain significance for Nephrotic syndrome, type 21. Last evaluated: 2026-08-06. Review status: criteria provided, single submitter. Criteria: ACMG Guidelines 2015 PMID 25741868. Collection method: clinical testing. Allele origin: germline. Inheritance: Autosomal recessive inheritance.
Comment: This missense variant, located in exon 4 (of 20), is absent from gnomAD and ClinVar and has not been identified in the literature. In silico analysis is inconclusive regarding the impact of this variant. According to the currently available evidence, this variant has been classified as uncertain significance (PM2_P).